The following is an entry in ClinVar:

NM_004036.5(ADCY3):c.2652G>A (p.Met884Ile)

Gene: ADCY3 (adenylate cyclase 3; minus strand). Cytogenetic location: 2p23.3.
Variant type: single nucleotide variant.
Coding change: c.2652G>A on transcript NM_004036.5 (MANE Select); coding-DNA position 2652, G replaced by A.
Protein change: p.Met884Ile; replaces methionine 884 with isoleucine.
Molecular consequence: missense variant.
Genome position (GRCh38, 1-based): chr2:24,824,462, C>T on the plus strand (G>A on the coding strand, the complement: ADCY3 is on the minus strand). VCF-style: chr2-24824462-C-T. GRCh37 (hg19) VCF-style: chr2-25047331-C-T.
Other names: c.2655G>A (NM_001320613.1); c.2655G>A, p.Met885Ile (NM_001320613.2); c.2718G>A, p.Met906Ile (NM_001377128.1); c.2514G>A, p.Met838Ile (NM_001377129.1); c.2247G>A, p.Met749Ile (NM_001377130.1); c.1929G>A, p.Met643Ile (NM_001377131.1); c.2652G>A, p.Met884Ile (NM_001377132.1); short protein forms M643I, M838I, M884I, M885I, M749I, M906I.
Identifiers: ClinVar variation 2396867 (VCV002396867.3), dbSNP rs1336234399, ClinGen allele CA346063665.
Genomic context (GRCh38, chr2:24,824,462, plus strand): 5'-GAAATGGCGTGCCACGTGCTCAGGCAACATGTTGGTGACCAAGGCCTCGTTCCAGCGTCG[C>T]ATCTCATAGACACGTTCCTTCTGGTCGTGGACCTCAATCTTCCACAAGAAAAGTGTCCGT-3'
Protein context (NP_004027.2, residues 874-894): VHDQKERVYE[Met884Ile]RRWNEALVTN

ClinVar aggregate classification (germline): Uncertain significance. Review status: criteria provided, multiple submitters, no conflicts (2 of 4 stars). 2 submissions from 2 submitters: Uncertain significance (2). Last evaluated 2024-12-17.

Conditions:
ADCY3-related disorder. Also called: ADCY3-related condition.
Inborn genetic diseases. Identifiers: MedGen C0950123, MeSH D030342.

Allele frequency attached by ClinVar (database versions not stated): TOPMed below 0.00001; gnomAD 0.00001; gnomAD exomes 0.00001.
gnomAD v4.1: 13 of 1,614,148 alleles (0.00081%); highest among the groups gnomAD compares: Middle Eastern, 0.016%; no homozygotes.

Submissions (2):

PreventionGenetics, part of Exact Sciences
Classification: Uncertain significance for ADCY3-related condition. Last evaluated: 2024-12-17. Review status: criteria provided, single submitter. Criteria: ACMG Guidelines, 2015. Collection method: clinical testing. Allele origin: germline.
Comment: The ADCY3 c.2655G>A variant is predicted to result in the amino acid substitution p.Met885Ile. To our knowledge, this variant has not been reported in the literature. This variant is reported in 0.0015% of alleles in individuals of European (Non-Finnish) descent in gnomAD. At this time, the clinical significance of this variant is uncertain due to the absence of conclusive functional and genetic evidence.

Ambry Genetics
Classification: Uncertain significance for Inborn genetic diseases. Last evaluated: 2022-07-06. Review status: criteria provided, single submitter. Criteria: Ambry Variant Classification Scheme 2023. Collection method: clinical testing. Allele origin: germline.